The following is an entry in ClinVar:

ClinVar aggregate classification (germline): Benign (1 of 4 stars; one submission).

Conditions:
Macular corneal dystrophy (MCD). Also called: GROENOUW TYPE II CORNEAL DYSTROPHY; Macular corneal dystrophy Type I. Identifiers: Orphanet 98969, MedGen C1636149, MONDO:0009020, OMIM 217800.

Allele frequency attached by ClinVar (database versions not stated): TOPMed 0.00502; gnomAD 0.00630 and 0.00690; gnomAD exomes 0.00818; 1000 Genomes Project 30x 0.00890; 1000 Genomes Project 0.00998.
gnomAD v4.1: 1,589 of 215,804 alleles (0.74%); highest among the groups gnomAD compares: South Asian, 2.7%; 14 homozygotes.

Submission:

Illumina Laboratory Services, Illumina
Classification: Benign for Macular corneal dystrophy. Last evaluated: 2018-01-12. Review status: criteria provided, single submitter. Criteria: ICSL Variant Classification Criteria 13 December 2019. Collection method: clinical testing. Allele origin: germline.
Comment: This variant was observed in the ICSL laboratory as part of a predisposition screen in an ostensibly healthy population. It had not been previously curated by ICSL or reported in the Human Gene Mutation Database (HGMD: prior to June 1st, 2018), and was therefore a candidate for classification through an automated scoring system. Utilizing variant allele frequency, disease prevalence and penetrance estimates, and inheritance mode, an automated score was calculated to assess if this variant is too frequent to cause the disease. Based on the score and internal cut-off values, a variant classified as benign is not then subjected to further curation. The score for this variant resulted in a classification of benign for this disease.

NM_021615.5(CHST6):c.*3621A>G

Gene: CHST6 (carbohydrate sulfotransferase 6; minus strand). Cytogenetic location: 16q23.1.
Variant type: single nucleotide variant.
Coding change: c.*3621A>G on transcript NM_021615.5 (MANE Select); 3621 bases downstream of the stop codon, A replaced by G.
Molecular consequence: 3 prime UTR variant.
Genome position (GRCh38, 1-based): chr16:75,475,020, T>C on the plus strand (A>G on the coding strand, the complement: CHST6 is on the minus strand). VCF-style: chr16-75475020-T-C. GRCh37 (hg19) VCF-style: chr16-75508918-T-C.
Identifiers: ClinVar variation 320534 (VCV000320534.5), dbSNP rs139900788, ClinGen allele CA10638374.
Genomic context (GRCh38, chr16:75,475,020, plus strand): 5'-TAATTTTTGTATTTTAACTAGAAATGGTGTTTTACCTTGTTGGCCAGGCTGGTCTCAAAC[T>C]CCTGACCTCAAGTAATCCGCACACCTCAACCTCCCAAAATGCTGGGATTACAGACATGAG-3'